The following is an entry in ClinVar:

ClinVar aggregate classification (germline): Uncertain significance (1 of 4 stars; one submission).

Conditions:
Charcot-Marie-Tooth disease type 4B3. Also called: CHARCOT-MARIE-TOOTH DISEASE, DEMYELINATING, TYPE 4B3; Charcot-Marie-Tooth Neuropathy Type 4B3. Identifiers: Orphanet 363981, MedGen C3695063, MONDO:0014117, OMIM 615284.

Submission:

Department of Human Genetics, Hannover Medical School
Classification: Uncertain significance for Charcot-Marie-Tooth disease type 4B3. Last evaluated: 2025-01-24. Review status: criteria provided, single submitter. Criteria: ACMG Guidelines, 2015. Collection method: clinical testing. Allele origin: germline. Affected: yes.
Comment: ACMG: PM2_Supporting

NM_002972.4(SBF1):c.1121T>C (p.Leu374Pro)

Gene: SBF1 (SET binding factor 1; minus strand). Cytogenetic location: 22q13.33.
Variant type: single nucleotide variant.
Coding change: c.1121T>C on transcript NM_002972.4 (MANE Select); coding-DNA position 1121, T replaced by C.
Protein change: p.Leu374Pro; replaces leucine 374 with proline.
Molecular consequence: missense variant.
Genome position (GRCh38, 1-based): chr22:50,465,297, A>G on the plus strand (T>C on the coding strand, the complement: SBF1 is on the minus strand). VCF-style: chr22-50465297-A-G. GRCh37 (hg19) VCF-style: chr22-50903726-A-G.
Other names: c.1124T>C, p.Leu375Pro (NM_001365819.1, NM_001410794.1); c.1121T>C, p.Leu374Pro (NM_001410795.1); short protein forms L374P, L375P.
Identifiers: ClinVar variation 3600285 (VCV003600285.1).
Genomic context (GRCh38, chr22:50,465,297, plus strand): 5'-TCCGGGTGGATGCGCACGACGTGCAGGCACCAGCGATAGCCCTGCAGCAGCTGAGCGAAC[A>G]GCCGCAGGAAGACCGCGCGCAGCTCCTTGTCCTGGGAGAAGAGCTGAGTGCAGGTGAGAG-3'
Protein context (NP_002963.2, residues 364-384): DKELRAVFLR[Leu374Pro]FAQLLQGYRW